The following is an entry in ClinVar:

NM_017871.6(INTS11):c.1178C>T (p.Ala393Val)

Gene: INTS11 (integrator complex subunit 11; minus strand). Cytogenetic location: 1p36.33.
Variant type: single nucleotide variant.
Coding change: c.1178C>T on transcript NM_017871.6 (MANE Select); coding-DNA position 1178, C replaced by T.
Protein change: p.Ala393Val; replaces alanine 393 with valine.
Molecular consequence: missense variant.
Genome position (GRCh38, 1-based): chr1:1,312,903, G>A on the plus strand (C>T on the coding strand, the complement: INTS11 is on the minus strand). VCF-style: chr1-1312903-G-A. GRCh37 (hg19) VCF-style: chr1-1248283-G-A.
Other names: c.1196C>T, p.Ala399Val (NM_001256456.2); c.1091C>T, p.Ala364Val (NM_001256460.2); c.884C>T, p.Ala295Val (NM_001256462.2); c.875C>T, p.Ala292Val (NM_001256463.2); short protein forms A399V, A295V, A292V, A364V, A393V.
Identifiers: ClinVar variation 4829268 (VCV004829268.1).

ClinVar aggregate classification (germline): Uncertain significance (1 of 4 stars; one submission).

gnomAD v4.1: 31 of 1,612,416 alleles (0.0019%); highest among the groups gnomAD compares: East Asian, 0.0045%; 1 homozygote.

Submission:

Ambry Genetics
Classification: Uncertain significance. Last evaluated: 2025-12-20. Review status: criteria provided, single submitter. Criteria: Ambry Variant Classification Scheme 2023. Collection method: clinical testing. Allele origin: germline.
Comment: The c.1178C>T (p.A393V) alteration is located in coding exon 12 of the CPSF3L gene. This alteration results from a C to T substitution at nucleotide position 1178, causing the alanine (A) at amino acid position 393 to be replaced by a valine (V). Based on data from gnomAD, the T allele has an overall frequency of 0.002% (6/249258) total alleles studied. The highest observed frequency was 0.005% (5/112158) of European (non-Finnish) alleles. This amino acid position is highly conserved in available vertebrate species. This alteration is predicted to be deleterious by in silico analysis. Based on insufficient or conflicting evidence, the clinical significance of this alteration remains unclear.